The following is an entry in ClinVar:

ClinVar aggregate classification (germline): Uncertain significance (1 of 4 stars; one submission).

Conditions:
Cardiovascular phenotype. Identifiers: MedGen CN230736.

Submission:

Ambry Genetics
Classification: Uncertain significance for Cardiovascular phenotype. Last evaluated: 2025-06-23. Review status: criteria provided, single submitter. Criteria: Ambry Variant Classification Scheme 2023. Collection method: clinical testing. Allele origin: germline.
Comment: The p.D607G variant (also known as c.1820A>G), located in coding exon 11 of the CBL gene, results from an A to G substitution at nucleotide position 1820. The aspartic acid at codon 607 is replaced by glycine, an amino acid with similar properties. This amino acid position is conserved. In addition, this alteration is predicted to be tolerated by in silico analysis. Based on the available evidence, the clinical significance of this variant remains unclear.

NM_005188.4(CBL):c.1820A>G (p.Asp607Gly)

Gene: CBL (Cbl proto-oncogene; plus strand). Cytogenetic location: 11q23.3.
Variant type: single nucleotide variant.
Coding change: c.1820A>G on transcript NM_005188.4 (MANE Select); coding-DNA position 1820, A replaced by G.
Protein change: p.Asp607Gly; replaces aspartic acid 607 with glycine.
Molecular consequence: missense variant.
Genome position (GRCh38, 1-based): chr11:119,285,445, A>G. VCF-style: chr11-119285445-A-G. GRCh37 (hg19) VCF-style: chr11-119156155-A-G.
Other names: short protein forms D607G.
Identifiers: ClinVar variation 4219847 (VCV004219847.1).